The following is an entry in ClinVar:

ClinVar aggregate classification (germline): Uncertain significance (1 of 4 stars; one submission).

Conditions:
Complex cortical dysplasia with other brain malformations 2. Identifiers: MedGen C3809013, MONDO:0014116, OMIM 615282.

gnomAD v4.1: 3 of 1,530,236 alleles (0.0002%); highest among the groups gnomAD compares: Non-Finnish European, 0.00026%; no homozygotes.

Submission:

Clinical Genetics Laboratory, University Hospital Schleswig-Holstein
Classification: Uncertain significance for Complex cortical dysplasia with other brain malformations 2. Last evaluated: 2025-03-12. Review status: criteria provided, single submitter. Criteria: ACMG Guidelines, 2015. Collection method: clinical testing. Allele origin: paternal. Affected: yes. Observed: 1 heterozygote.
Comment: ACMG criteria applied: PM2_Supporting, PP3, PM1, PP4, BS4

NM_004522.3(KIF5C):c.288G>A (p.Met96Ile)

Gene: KIF5C (kinesin family member 5C; plus strand). Cytogenetic location: 2q23.1.
Variant type: single nucleotide variant.
Coding change: c.288G>A on transcript NM_004522.3 (MANE Select); coding-DNA position 288, G replaced by A.
Protein change: p.Met96Ile; replaces methionine 96 with isoleucine.
Molecular consequence: missense variant.
Genome position (GRCh38, 1-based): chr2:148,929,351, G>A. VCF-style: chr2-148929351-G-A. GRCh37 (hg19) VCF-style: chr2-149686920-G-A.
Other names: short protein forms M96I.
Identifiers: ClinVar variation 4081977 (VCV004081977.2).